The following is an entry in ClinVar:

ClinVar aggregate classification (germline): Uncertain significance (1 of 4 stars; one submission).

Conditions:
Agammaglobulinemia 2, autosomal recessive (AGM2). Also called: AGAMMAGLOBULINEMIA, AUTOSOMAL RECESSIVE, DUE TO IGLL1 DEFECT. Identifiers: MedGen C3150750, MONDO:0013287, OMIM 613500.

Submission:

Labcorp Genetics (formerly Invitae), Labcorp
Classification: Uncertain significance for Agammaglobulinemia 2, autosomal recessive. Last evaluated: 2025-03-25. Review status: criteria provided, single submitter. Criteria: Invitae Variant Classification Sherloc (09022015). Collection method: clinical testing. Allele origin: germline.
Comment: This sequence change replaces lysine, which is basic and polar, with asparagine, which is neutral and polar, at codon 130 of the IGLL1 protein (p.Lys130Asn). This variant is not present in population databases (gnomAD no frequency). This variant has not been reported in the literature in individuals affected with IGLL1-related conditions. An algorithm developed to predict the effect of missense changes on protein structure and function (PolyPhen-2) suggests that this variant is likely to be disruptive. In summary, the available evidence is currently insufficient to determine the role of this variant in disease. Therefore, it has been classified as a Variant of Uncertain Significance.

NM_020070.4(IGLL1):c.390G>C (p.Lys130Asn)

Gene: IGLL1 (immunoglobulin lambda like polypeptide 1; minus strand). Cytogenetic location: 22q11.23.
Variant type: single nucleotide variant.
Coding change: c.390G>C on transcript NM_020070.4 (MANE Select); coding-DNA position 390, G replaced by C.
Protein change: p.Lys130Asn; replaces lysine 130 with asparagine.
Molecular consequence: missense variant. On other transcripts: 3 prime UTR variant (1).
Genome position (GRCh38, 1-based): chr22:23,573,518, C>G on the plus strand (G>C on the coding strand, the complement: IGLL1 is on the minus strand). VCF-style: chr22-23573518-C-G. GRCh37 (hg19) VCF-style: chr22-23915705-C-G.
Other names: c.393G>C, p.Lys131Asn (NM_001369906.1); c.*19G>C (NM_152855.3); short protein forms K130N, K131N.
Identifiers: ClinVar variation 4692277 (VCV004692277.1).